The following is an entry in ClinVar:

NM_000081.4(LYST):c.9043A>G (p.Arg3015Gly)

Gene: LYST (lysosomal trafficking regulator; minus strand). Cytogenetic location: 1q42.3.
Variant type: single nucleotide variant.
Coding change: c.9043A>G on transcript NM_000081.4 (MANE Select); coding-DNA position 9043, A replaced by G.
Protein change: p.Arg3015Gly; replaces arginine 3015 with glycine.
Molecular consequence: missense variant.
Genome position (GRCh38, 1-based): chr1:235,730,848, T>C on the plus strand (A>G on the coding strand, the complement: LYST is on the minus strand). VCF-style: chr1-235730848-T-C. GRCh37 (hg19) VCF-style: chr1-235894148-T-C.
Other names: c.9043A>G, p.Arg3015Gly (NM_001301365.1); short protein forms R3015G.
Identifiers: ClinVar variation 3671218 (VCV003671218.2).

ClinVar aggregate classification (germline): Uncertain significance (1 of 4 stars; one submission).

Conditions:
Chédiak-Higashi syndrome (CHS). Also called: Chediak-Higashi Syndrome. Identifiers: Orphanet 167, MedGen C0007965, MONDO:0008963, OMIM 214500.

gnomAD v4.1: 3 of 1,585,844 alleles (0.00019%); highest among the groups gnomAD compares: East Asian, 0.0045%; no homozygotes.

Submission:

Labcorp Genetics (formerly Invitae), Labcorp
Classification: Uncertain significance for Chédiak-Higashi syndrome. Last evaluated: 2024-07-27. Review status: criteria provided, single submitter. Criteria: Invitae Variant Classification Sherloc (09022015). Collection method: clinical testing. Allele origin: germline.
Comment: This sequence change replaces arginine, which is basic and polar, with glycine, which is neutral and non-polar, at codon 3015 of the LYST protein (p.Arg3015Gly). This variant is not present in population databases (gnomAD no frequency). This variant has not been reported in the literature in individuals affected with LYST-related conditions. An algorithm developed to predict the effect of missense changes on protein structure and function (PolyPhen-2) suggests that this variant is likely to be disruptive. Algorithms developed to predict the effect of sequence changes on RNA splicing suggest that this variant may disrupt the consensus splice site. In summary, the available evidence is currently insufficient to determine the role of this variant in disease. Therefore, it has been classified as a Variant of Uncertain Significance.